The following is an entry in ClinVar:

NM_020207.7(ERCC6L2):c.3777_3778del (p.Asp1261fs)

Gene: ERCC6L2 (ERCC excision repair 6 like 2; plus strand). Cytogenetic location: 9q22.32.
Variant type: Deletion.
Coding change: c.3777_3778del on transcript NM_020207.7 (MANE Select); coding-DNA positions 3777 to 3778, 2 bases deleted (AA; older notation c.3777_3778delAA).
Protein change: p.Asp1261fs; shifts the reading frame from aspartic acid 1261.
Molecular consequence: frameshift variant. On other transcripts: non-coding transcript variant (1), intron variant (2).
Genome position (GRCh38, 1-based): chr9:96,012,327-96,012,328, AA deleted. VCF-style (leftmost placement, unchanged base first): chr9-96012326-TAA-T. GRCh37 (hg19) VCF-style: chr9-98774608-TAA-T.
Other names: c.3674+7626_3674+7627del (NM_001375291.1, NM_001375292.1); short protein forms D1261fs.
Identifiers: ClinVar variation 3702180 (VCV003702180.2).

ClinVar aggregate classification (germline): Uncertain significance (1 of 4 stars; one submission).

Submission:

Labcorp Genetics (formerly Invitae), Labcorp
Classification: Uncertain significance. Last evaluated: 2024-10-15. Review status: criteria provided, single submitter. Criteria: Invitae Variant Classification Sherloc (09022015). Collection method: clinical testing. Allele origin: germline.
Comment: This sequence change creates a premature translational stop signal (p.Asp1272Leufs*26) in the ERCC6L2 gene. While this is not anticipated to result in nonsense mediated decay, it is expected to disrupt the last 290 amino acid(s) of the ERCC6L2 protein. This variant is not present in population databases (gnomAD no frequency). This variant has not been reported in the literature in individuals affected with ERCC6L2-related conditions. Experimental studies and prediction algorithms are not available or were not evaluated, and the functional significance of this variant is currently unknown. In summary, the available evidence is currently insufficient to determine the role of this variant in disease. Therefore, it has been classified as a Variant of Uncertain Significance.